The following is an entry in ClinVar:

ClinVar aggregate classification (germline): Uncertain significance (1 of 4 stars; one submission).

Conditions:
Osteogenesis imperfecta type I (OI1). Also called: Lobstein disease; OI, TYPE I; OSTEOGENESIS IMPERFECTA TARDA; OSTEOGENESIS IMPERFECTA WITH BLUE SCLERAE; Lobstein's Disease; Classic Non-deforming Osteogenesis Imperfecta with Blue Sclerae. Identifiers: Orphanet 216796, Orphanet 666, MedGen C0023931, MONDO:0008146, OMIM 166200. Disease mechanism: loss of function.

Submission:

Labcorp Genetics (formerly Invitae), Labcorp
Classification: Uncertain significance for Osteogenesis imperfecta type I. Last evaluated: 2021-04-27. Review status: criteria provided, single submitter. Criteria: Invitae Variant Classification Sherloc (09022015). Collection method: clinical testing. Allele origin: germline.
Comment: In summary, the available evidence is currently insufficient to determine the role of this variant in disease. Therefore, it has been classified as a Variant of Uncertain Significance. Algorithms developed to predict the effect of sequence changes on RNA splicing suggest that this variant may create or strengthen a splice site, but this prediction has not been confirmed by published transcriptional studies. Advanced modeling of protein sequence and biophysical properties (such as structural, functional, and spatial information, amino acid conservation, physicochemical variation, residue mobility, and thermodynamic stability) performed at Invitae indicates that this missense variant is not expected to disrupt COL1A1 protein function. This variant has not been reported in the literature in individuals with COL1A1-related conditions. This variant is not present in population databases (ExAC no frequency). This sequence change replaces asparagine with lysine at codon 65 of the COL1A1 protein (p.Asn65Lys). The asparagine residue is moderately conserved and there is a moderate physicochemical difference between asparagine and lysine.

NM_000088.4(COL1A1):c.195C>A (p.Asn65Lys)

Gene: COL1A1 (collagen type I alpha 1 chain; minus strand). Cytogenetic location: 17q21.33.
Variant type: single nucleotide variant.
Coding change: c.195C>A on transcript NM_000088.4 (MANE Select); coding-DNA position 195, C replaced by A.
Protein change: p.Asn65Lys; replaces asparagine 65 with lysine.
Molecular consequence: missense variant.
Genome position (GRCh38, 1-based): chr17:50,199,856, G>T on the plus strand (C>A on the coding strand, the complement: COL1A1 is on the minus strand). VCF-style: chr17-50199856-G-T. GRCh37 (hg19) VCF-style: chr17-48277217-G-T.
Other names: short protein forms N65K.
Identifiers: ClinVar variation 1444930 (VCV001444930.8), dbSNP rs1907930276, ClinGen allele CA400228402.